The following is an entry in ClinVar:

NM_001277115.2(DNAH11):c.2671A>G (p.Asn891Asp)

Gene: DNAH11 (dynein axonemal heavy chain 11; plus strand). Cytogenetic location: 7p15.3.
Variant type: single nucleotide variant.
Coding change: c.2671A>G on transcript NM_001277115.2 (MANE Select); coding-DNA position 2671, A replaced by G.
Protein change: p.Asn891Asp; replaces asparagine 891 with aspartic acid.
Molecular consequence: missense variant.
Genome position (GRCh38, 1-based): chr7:21,599,790, A>G. VCF-style: chr7-21599790-A-G. GRCh37 (hg19) VCF-style: chr7-21639408-A-G.
Other names: short protein forms N891D.
Identifiers: ClinVar variation 1067300 (VCV001067300.7), dbSNP rs1354416117, ClinGen allele CA366943676.

ClinVar aggregate classification (germline): Pathogenic (1 of 4 stars; one submission).

Conditions:
Primary ciliary dyskinesia. Also called: Ciliary dyskinesia. Identifiers: Orphanet 244, MedGen C0008780, MONDO:0016575, HP:0012265.

Allele frequency attached by ClinVar (database versions not stated): gnomAD exomes below 0.00001 and 0.00001; TOPMed below 0.00001.
gnomAD v4.1: 4 of 1,536,242 alleles (0.00026%); highest among the groups gnomAD compares: Non-Finnish European, 0.000088%; no homozygotes.

Submission:

Labcorp Genetics (formerly Invitae), Labcorp
Classification: Pathogenic for Primary ciliary dyskinesia. Last evaluated: 2025-07-03. Review status: criteria provided, single submitter. Criteria: Invitae Variant Classification Sherloc (09022015). Collection method: clinical testing. Allele origin: germline.
Comment: This sequence change replaces asparagine, which is neutral and polar, with aspartic acid, which is acidic and polar, at codon 891 of the DNAH11 protein (p.Asn891Asp). This variant is present in population databases (no rsID available, gnomAD 0.02%). This missense change has been observed in individual(s) with clinical features of primary ciliary dyskinesia (internal data). In at least one individual the data is consistent with being in trans (on the opposite chromosome) from a pathogenic variant. It has also been observed to segregate with disease in related individuals. ClinVar contains an entry for this variant (Variation ID: 1067300). Invitae Evidence Modeling of protein sequence and biophysical properties (such as structural, functional, and spatial information, amino acid conservation, physicochemical variation, residue mobility, and thermodynamic stability) indicates that this missense variant is not expected to disrupt DNAH11 protein function with a negative predictive value of 95%. For these reasons, this variant has been classified as Pathogenic.